The following is an entry in ClinVar:

ClinVar aggregate classification (germline): Uncertain significance. Review status: criteria provided, multiple submitters, no conflicts (2 of 4 stars). 2 submissions from 2 submitters: Uncertain significance (2). Last evaluated 2024-05-20.

Conditions:
Tumoral calcinosis, hyperphosphatemic, familial, 2. Identifiers: MedGen C4693863, MONDO:0060714, OMIM 617993.
Autosomal dominant hypophosphatemic rickets (ADHR). Also called: VITAMIN D-RESISTANT RICKETS, AUTOSOMAL DOMINANT; HYPOPHOSPHATEMIA, AUTOSOMAL DOMINANT. Identifiers: Orphanet 89937, MedGen C0342642, MONDO:0008660, OMIM 193100.

Allele frequency attached by ClinVar (database versions not stated): ExAC 0.00001; gnomAD 0.00001.
gnomAD v4.1: 21 of 1,613,896 alleles (0.0013%); highest among the groups gnomAD compares: African/African-American, 0.013%; no homozygotes.

Submissions (2):

Fulgent Genetics
Classification: Uncertain significance for Autosomal dominant hypophosphatemic rickets; Tumoral calcinosis, hyperphosphatemic, familial, 2. Last evaluated: 2024-05-20. Review status: criteria provided, single submitter. Criteria: ACMG Guidelines, 2015. Collection method: clinical testing. Allele origin: germline.

Labcorp Genetics (formerly Invitae), Labcorp
Classification: Uncertain significance. Last evaluated: 2023-02-24. Review status: criteria provided, single submitter. Criteria: Invitae Variant Classification Sherloc (09022015). Collection method: clinical testing. Allele origin: germline.
Comment: In summary, the available evidence is currently insufficient to determine the role of this variant in disease. Therefore, it has been classified as a Variant of Uncertain Significance. Advanced modeling of protein sequence and biophysical properties (such as structural, functional, and spatial information, amino acid conservation, physicochemical variation, residue mobility, and thermodynamic stability) has been performed at Invitae for this missense variant, however the output from this modeling did not meet the statistical confidence thresholds required to predict the impact of this variant on FGF23 protein function. This variant has not been reported in the literature in individuals affected with FGF23-related conditions. This variant is present in population databases (rs773591533, gnomAD 0.007%). This sequence change replaces proline, which is neutral and non-polar, with leucine, which is neutral and non-polar, at codon 110 of the FGF23 protein (p.Pro110Leu).

NM_020638.3(FGF23):c.329C>T (p.Pro110Leu)

Gene: FGF23 (fibroblast growth factor 23; minus strand). Cytogenetic location: 12p13.32.
Variant type: single nucleotide variant.
Coding change: c.329C>T on transcript NM_020638.3 (MANE Select); coding-DNA position 329, C replaced by T.
Protein change: p.Pro110Leu; replaces proline 110 with leucine.
Molecular consequence: missense variant.
Genome position (GRCh38, 1-based): chr12:4,370,770, G>A on the plus strand (C>T on the coding strand, the complement: FGF23 is on the minus strand). VCF-style: chr12-4370770-G-A. GRCh37 (hg19) VCF-style: chr12-4479936-G-A.
Other names: short protein forms P110L.
Identifiers: ClinVar variation 2979678 (VCV002979678.4), dbSNP rs773591533, ClinGen allele CA6395702.